The following is an entry in ClinVar:

NM_004656.4(BAP1):c.123-10C>T

Gene: BAP1 (BRCA1 associated deubiquitinase 1; minus strand). Cytogenetic location: 3p21.1.
Variant type: single nucleotide variant.
Coding change: c.123-10C>T on transcript NM_004656.4 (MANE Select); 10 bases into the intron before coding-DNA position 123, C replaced by T.
Molecular consequence: intron variant.
Genome position (GRCh38, 1-based): chr3:52,408,616, G>A on the plus strand (C>T on the coding strand, the complement: BAP1 is on the minus strand). VCF-style: chr3-52408616-G-A. GRCh37 (hg19) VCF-style: chr3-52442632-G-A.
Identifiers: ClinVar variation 2049841 (VCV002049841.5), dbSNP rs1420847667, ClinGen allele CA542899986.

ClinVar aggregate classification (germline): Likely benign. Review status: criteria provided, multiple submitters, no conflicts (2 of 4 stars). 2 submissions from 2 submitters: Likely benign (2). Last evaluated 2025-08-24.

Conditions:
BAP1-related tumor predisposition syndrome (TPDS1). Also called: Tumor susceptibility linked to germline BAP1 mutations; TUMOR PREDISPOSITION SYNDROME 1; BAP1 tumor predisposition syndrome; COMMON Syndrome. Identifiers: Orphanet 289539, MedGen C3280492, MONDO:0013692, OMIM 614327.

Allele frequency attached by ClinVar (database versions not stated): gnomAD exomes below 0.00001.
gnomAD v4.1: 1 of 1,607,614 alleles (0.000062%); highest among the groups gnomAD compares: Non-Finnish European, 0.000085%; no homozygotes.

Submissions (2):

Labcorp Genetics (formerly Invitae), Labcorp
Classification: Likely benign for BAP1-related tumor predisposition syndrome. Last evaluated: 2025-08-24. Review status: criteria provided, single submitter. Criteria: Invitae Variant Classification Sherloc (09022015). Collection method: clinical testing. Allele origin: germline.

Myriad Genetics, Inc.
Classification: Likely benign for BAP1-related tumor predisposition syndrome. Last evaluated: 2024-07-11. Review status: criteria provided, single submitter. Criteria: Myriad Autosomal Dominant, Autosomal Recessive and X-Linked Classification Criteria (2023). Collection method: clinical testing. Allele origin: unknown.
Comment: This variant is considered likely benign. This variant is intronic and is not expected to impact mRNA splicing.